The following is an entry in ClinVar:

NM_198282.4(STING1):c.1015G>A (p.Glu339Lys)

Gene: STING1 (stimulator of interferon response cGAMP interactor 1; minus strand). Cytogenetic location: 5q31.2.
Variant type: single nucleotide variant.
Coding change: c.1015G>A on transcript NM_198282.4 (MANE Select); coding-DNA position 1015, G replaced by A.
Protein change: p.Glu339Lys; replaces glutamic acid 339 with lysine.
Molecular consequence: missense variant. On other transcripts: synonymous variant (1).
Genome position (GRCh38, 1-based): chr5:139,476,386, C>T on the plus strand (G>A on the coding strand, the complement: STING1 is on the minus strand). VCF-style: chr5-139476386-C-T. GRCh37 (hg19) VCF-style: chr5-138855971-C-T.
Other names: c.828G>A, p.Arg276= (NM_001301738.2); c.658G>A, p.Glu220Lys (NM_001367258.1); short protein forms E220K, E339K.
Identifiers: ClinVar variation 964331 (VCV000964331.1), dbSNP rs1751660621, ClinGen allele CA361479228.

ClinVar aggregate classification (germline): Uncertain significance (1 of 4 stars; one submission).

Conditions:
STING-associated vasculopathy with onset in infancy. Also called: Sting-associated vasculopathy, infantile-onset. Identifiers: Orphanet 425120, MedGen C4014722, MONDO:0014405, OMIM 615934.

Submission:

Labcorp Genetics (formerly Invitae), Labcorp
Classification: Uncertain significance for Sting-associated vasculopathy, infantile-onset. Last evaluated: 2019-10-19. Review status: criteria provided, single submitter. Criteria: Invitae Variant Classification Sherloc (09022015). Collection method: clinical testing. Allele origin: germline.
Comment: This sequence change replaces glutamic acid with lysine at codon 339 of the TMEM173 protein (p.Glu339Lys). The glutamic acid residue is highly conserved and there is a small physicochemical difference between glutamic acid and lysine. This variant is not present in population databases (ExAC no frequency). This variant has not been reported in the literature in individuals with TMEM173-related conditions. Algorithms developed to predict the effect of missense changes on protein structure and function are either unavailable or do not agree on the potential impact of this missense change (SIFT: "Deleterious"; PolyPhen-2: "Probably Damaging"; Align-GVGD: "Class C0"). In summary, the available evidence is currently insufficient to determine the role of this variant in disease. Therefore, it has been classified as a Variant of Uncertain Significance.